The following is an entry in ClinVar:

NM_006852.6(TLK2):c.890G>T (p.Gly297Val)

Gene: TLK2 (tousled like kinase 2; plus strand). Cytogenetic location: 17q23.2.
Variant type: single nucleotide variant.
Coding change: c.890G>T on transcript NM_006852.6 (MANE Select); coding-DNA position 890, G replaced by T.
Protein change: p.Gly297Val; replaces glycine 297 with valine.
Molecular consequence: missense variant.
Genome position (GRCh38, 1-based): chr17:62,565,059, G>T. VCF-style: chr17-62565059-G-T. GRCh37 (hg19) VCF-style: chr17-60642420-G-T.
Other names: c.890G>T, p.Gly297Val (NM_001284333.3, NM_001375270.1, NM_001375271.1); c.794G>T, p.Gly265Val (NM_001284363.1, NM_001375272.1); c.443G>T, p.Gly148Val (NM_001330418.3, NM_001375273.1); c.932G>T, p.Gly311Val (NM_001375269.1); c.605G>T, p.Gly202Val (NM_001411074.1); short protein forms G148V, G202V, G265V, G297V, G311V.
Identifiers: ClinVar variation 3776031 (VCV003776031.1).

ClinVar aggregate classification (germline): Uncertain significance (1 of 4 stars; one submission).

Conditions:
Intellectual developmental disorder, autosomal dominant 57. Also called: MENTAL RETARDATION, AUTOSOMAL DOMINANT 57; Intellectual disability, autosomal dominant 57. Identifiers: MedGen C4748003, MONDO:0054837, OMIM 618050.

Submission:

3billion
Classification: Uncertain significance for Intellectual developmental disorder, autosomal dominant 57. Last evaluated: 2023-06-12. Review status: criteria provided, single submitter. Criteria: ACMG Guidelines, 2015. Collection method: clinical testing. Allele origin: germline. Affected: yes.
Comment: The variant is not observed in the gnomAD v2.1.1 dataset. Predicted Consequence/Location: Missense changes are a common disease-causing mechanism. In silico tool predictions suggest damaging effect of the variant on gene or gene product (REVEL: 0.74; 3Cnet: 0.31). A different missense change at the same codon (p.Gly297Asp) has been reported to be associated with TLK2 related disorder (PMID: 29861108). However the evidence of pathogenicity is insufficient at this time. Therefore, this variant is classified as VUS according to the recommendation of ACMG/AMP guideline.

Literature cited by the submitters: PubMed 29861108.